The following is an entry in ClinVar:

ClinVar aggregate classification (germline): Likely benign. Review status: criteria provided, single submitter (1 of 4 stars). 2 submissions from 2 submitters: Likely benign (1). 1 of the submissions does not count toward it. Last evaluated 2023-09-28.

Conditions:
Bardet-Biedl syndrome (BBS). Identifiers: Orphanet 110, MedGen C0752166, MONDO:0015229.
McKusick-Kaufman syndrome (MKKS). Also called: HYDROMETROCOLPOS SYNDROME; HYDROMETROCOLPOS, POSTAXIAL POLYDACTYLY, AND CONGENITAL HEART MALFORMATION. Identifiers: Orphanet 2473, MedGen C0948368, MONDO:0009367, OMIM 236700.
MKKS-related disorder. Also called: MKKS-related disorders; MKKS-related condition.

Allele frequency attached by ClinVar (database versions not stated): gnomAD exomes below 0.00001; TOPMed below 0.00001; gnomAD 0.00001.

Submissions (2):

Labcorp Genetics (formerly Invitae), Labcorp
Classification: Likely benign for McKusick-Kaufman syndrome; Bardet-Biedl syndrome. Last evaluated: 2023-09-28. Review status: criteria provided, single submitter. Criteria: Invitae Variant Classification Sherloc (09022015). Collection method: clinical testing. Allele origin: germline.

PreventionGenetics, part of Exact Sciences
Classification: Likely benign for MKKS-related condition. Last evaluated: 2022-03-18. Review status: no assertion criteria provided. Collection method: clinical testing. Allele origin: germline. Not counted in ClinVar's aggregate classification.
Comment: This variant is classified as likely benign based on ACMG/AMP sequence variant interpretation guidelines (Richards et al. 2015 PMID: 25741868, with internal and published modifications).

NM_170784.3(MKKS):c.336A>G (p.Thr112=)

Gene: MKKS (MKKS centrosomal shuttling protein; minus strand). Cytogenetic location: 20p12.2.
Variant type: single nucleotide variant.
Coding change: c.336A>G on transcript NM_170784.3 (MANE Select); coding-DNA position 336, A replaced by G.
Protein change: p.Thr112=; no amino-acid change (threonine 112 retained).
Molecular consequence: synonymous variant.
Genome position (GRCh38, 1-based): chr20:10,413,179, T>C on the plus strand (A>G on the coding strand, the complement: MKKS is on the minus strand). VCF-style: chr20-10413179-T-C. GRCh37 (hg19) VCF-style: chr20-10393827-T-C.
Other names: c.336A>G, p.Thr112= (NM_018848.3).
Identifiers: ClinVar variation 2929764 (VCV002929764.4), dbSNP rs1479566281, ClinGen allele CA509815456.
Genomic context (GRCh38, chr20:10,413,179, plus strand): 5'-CTTGAGATAACTGATGCAAAGACTCAAAAGATGTTTATTTAATCTAATGACAGTGGTGGG[T>C]GTCAAGCCTAATCTCTGAACATTTTCAATCAGGTTGCAGCAAAGAATAGCTGTGAATAAG-3'
Protein context (NP_740754.1, residues 102-122): LIENVQRLGL[Thr112=]PTTVIRLNKH